The following is an entry in ClinVar:

ClinVar aggregate classification (germline): Uncertain significance (1 of 4 stars; one submission).

Conditions:
Citrullinemia. Identifiers: Orphanet 187, MedGen C0175683, MONDO:0015991.

Submission:

Labcorp Genetics (formerly Invitae), Labcorp
Classification: Uncertain significance for Citrullinemia. Last evaluated: 2023-12-17. Review status: criteria provided, single submitter. Criteria: Invitae Variant Classification Sherloc (09022015). Collection method: clinical testing. Allele origin: germline.
Comment: This sequence change replaces aspartic acid, which is acidic and polar, with tyrosine, which is neutral and polar, at codon 124 of the ASS1 protein (p.Asp124Tyr). This variant is not present in population databases (gnomAD no frequency). This variant has not been reported in the literature in individuals affected with ASS1-related conditions. Advanced modeling of protein sequence and biophysical properties (such as structural, functional, and spatial information, amino acid conservation, physicochemical variation, residue mobility, and thermodynamic stability) performed at Invitae indicates that this missense variant is expected to disrupt ASS1 protein function with a positive predictive value of 80%. This variant disrupts the p.Asp124 amino acid residue in ASS1. Other variant(s) that disrupt this residue have been determined to be pathogenic (PMID: 16475226, 27287393; Invitae). This suggests that this residue is clinically significant, and that variants that disrupt this residue are likely to be disease-causing. In summary, the available evidence is currently insufficient to determine the role of this variant in disease. Therefore, it has been classified as a Variant of Uncertain Significance.

Literature cited by the submitters: PubMed 16475226; PubMed 27287393.

NM_054012.4(ASS1):c.370G>T (p.Asp124Tyr)

Gene: ASS1 (argininosuccinate synthase 1; plus strand). Cytogenetic location: 9q34.11.
Variant type: single nucleotide variant.
Coding change: c.370G>T on transcript NM_054012.4 (MANE Select); coding-DNA position 370, G replaced by T.
Protein change: p.Asp124Tyr; replaces aspartic acid 124 with tyrosine.
Molecular consequence: missense variant.
Genome position (GRCh38, 1-based): chr9:130,464,117, G>T. VCF-style: chr9-130464117-G-T. GRCh37 (hg19) VCF-style: chr9-133339504-G-T.
Other names: c.370G>T, p.Asp124Tyr (NM_000050.4); short protein forms D124Y.
Identifiers: ClinVar variation 2821584 (VCV002821584.3), dbSNP rs936192871, ClinGen allele CA375225761.